The following is an entry in ClinVar:

NM_138773.4(SLC25A46):c.634G>T (p.Val212Leu)

Gene: SLC25A46 (solute carrier family 25 member 46; plus strand). Cytogenetic location: 5q22.1.
Variant type: single nucleotide variant.
Coding change: c.634G>T on transcript NM_138773.4 (MANE Select); coding-DNA position 634, G replaced by T.
Protein change: p.Val212Leu; replaces valine 212 with leucine.
Molecular consequence: missense variant. On other transcripts: non-coding transcript variant (1).
Genome position (GRCh38, 1-based): chr5:110,756,715, G>T. VCF-style: chr5-110756715-G-T. GRCh37 (hg19) VCF-style: chr5-110092415-G-T.
Other names: c.634G>T, p.Val212Leu (NM_001303249.3); c.361G>T, p.Val121Leu (NM_001303250.3); short protein forms V212L, V121L.
Identifiers: ClinVar variation 860297 (VCV000860297.7), dbSNP rs543911130, ClinGen allele CA3364678.
Genomic context (GRCh38, chr5:110,756,715, plus strand): 5'-AAGCATCTTGTTTCAGTATACTGATAAATTTGTTTTAATTTCTATAGCCTAACTTACGTG[G>T]TGGCAATGCCTTTTTATTCAGCAAGTCTGATTGAAACAGTGCAGGTGAGCTTTTTTTTAC-3'
Protein context (NP_620128.1, residues 202-222): HLLLKSLTYV[Val212Leu]AMPFYSASLI

ClinVar aggregate classification (germline): Uncertain significance (1 of 4 stars; one submission).

Conditions:
Neuropathy, hereditary motor and sensory, type 6B (HMSN6B). Also called: Neuropathy, hereditary motor and sensory, type VIB; NEUROPATHY, HEREDITARY MOTOR AND SENSORY, TYPE VIB, WITH OPTIC ATROPHY; HMSN VIB; CHARCOT-MARIE-TOOTH DISEASE, TYPE 6B. Identifiers: MedGen C4225302, MONDO:0014671, OMIM 616505.

Allele frequency attached by ClinVar (database versions not stated): gnomAD 0.00001; ExAC 0.00002; TOPMed 0.00002; gnomAD exomes 0.00004.
gnomAD v4.1: 57 of 1,572,858 alleles (0.0036%); highest among the groups gnomAD compares: Non-Finnish European, 0.0048%; no homozygotes.

Submission:

Labcorp Genetics (formerly Invitae), Labcorp
Classification: Uncertain significance for Neuropathy, hereditary motor and sensory, type 6B. Last evaluated: 2022-06-03. Review status: criteria provided, single submitter. Criteria: Invitae Variant Classification Sherloc (09022015). Collection method: clinical testing. Allele origin: germline.
Comment: This sequence change replaces valine, which is neutral and non-polar, with leucine, which is neutral and non-polar, at codon 212 of the SLC25A46 protein (p.Val212Leu). This variant is present in population databases (rs543911130, gnomAD 0.006%). This variant has not been reported in the literature in individuals affected with SLC25A46-related conditions. ClinVar contains an entry for this variant (Variation ID: 860297). Algorithms developed to predict the effect of missense changes on protein structure and function (SIFT, PolyPhen-2, Align-GVGD) all suggest that this variant is likely to be tolerated. In summary, the available evidence is currently insufficient to determine the role of this variant in disease. Therefore, it has been classified as a Variant of Uncertain Significance.